The following is an entry in ClinVar:

NM_007294.4(BRCA1):c.5194C>T (p.His1732Tyr)

Gene: BRCA1 (BRCA1 DNA repair associated; minus strand). Cytogenetic location: 17q21.31.
Variant type: single nucleotide variant.
Coding change: c.5194C>T on transcript NM_007294.4 (MANE Select); coding-DNA position 5194, C replaced by T.
Protein change: p.His1732Tyr; replaces histidine 1732 with tyrosine.
Molecular consequence: missense variant. On other transcripts: non-coding transcript variant (1).
Genome position (GRCh38, 1-based): chr17:43,057,135, G>A on the plus strand (C>T on the coding strand, the complement: BRCA1 is on the minus strand). VCF-style: chr17-43057135-G-A. GRCh37 (hg19) VCF-style: chr17-41209152-G-A.
Other names: c.4981C>T, p.His1661Tyr (NM_001407571.1, NM_001407900.1, NM_001407902.1 and 12 more transcripts); c.5260C>T, p.His1754Tyr (NM_001407581.1, NM_001407582.1); c.5257C>T, p.His1753Tyr (NM_001407583.1, NM_001407585.1, NM_001407587.1 and 1 more transcripts); c.5191C>T, p.His1731Tyr (NM_001407610.1, NM_001407611.1, NM_001407612.1 and 17 more transcripts); c.5188C>T, p.His1730Tyr (NM_001407629.1, NM_001407630.1, NM_001407631.1 and 14 more transcripts); c.5134C>T, p.His1712Tyr (NM_001407649.1); c.5116C>T, p.His1706Tyr (NM_001407652.1, NM_001407653.1, NM_001407654.1 and 1 more transcripts); c.5113C>T, p.His1705Tyr (NM_001407656.1, NM_001407657.1, NM_001407658.1); and 72 more; short protein forms H1732Y, H628Y, H1685Y, H1753Y, H1603Y, H1642Y, H1712Y, H1752Y.
Identifiers: ClinVar variation 867502 (VCV000867502.3), dbSNP rs2051531560, ClinGen allele CA10591145.

Conditions:
Breast-ovarian cancer, familial, susceptibility to, 1 (BROVCA1). Also called: BRCA1 Hereditary Breast and Ovarian Cancer; OVARIAN CANCER, SUSCEPTIBILITY TO. Identifiers: Orphanet 145, MedGen C2676676, MONDO:0011450, OMIM 604370. Disease mechanism: loss of function.

Allele frequency attached by ClinVar (database versions not stated): gnomAD exomes below 0.00001.
gnomAD v4.1: 1 of 1,613,752 alleles (0.000062%); highest among the groups gnomAD compares: Non-Finnish European, 0.000085%; no homozygotes.

Submission:

Brotman Baty Institute, University of Washington
No classification provided (evidence only). Condition: Breast-ovarian cancer, familial 1. Review status: no classification provided. Collection method: in vitro. Allele origin: not applicable. Functional consequence: functionally_normal.
ClinVar note: "not provided" was previously submitted as the classification for the variant. However, the classification appeared to be based only on an observation of functional data so it was converted to no classification on 2025-07-30.